The following is an entry in ClinVar:

NM_006469.5(IVNS1ABP):c.1399A>G (p.Ile467Val)

Gene: IVNS1ABP (influenza virus NS1A binding protein; minus strand). Cytogenetic location: 1q25.3.
Variant type: single nucleotide variant.
Coding change: c.1399A>G on transcript NM_006469.5 (MANE Select); coding-DNA position 1399, A replaced by G.
Protein change: p.Ile467Val; replaces isoleucine 467 with valine.
Molecular consequence: missense variant.
Genome position (GRCh38, 1-based): chr1:185,300,101, T>C on the plus strand (A>G on the coding strand, the complement: IVNS1ABP is on the minus strand). VCF-style: chr1-185300101-T-C. GRCh37 (hg19) VCF-style: chr1-185269233-T-C.
Other names: short protein forms I467V.
Identifiers: ClinVar variation 2629391 (VCV002629391.1), dbSNP rs781116659, ClinGen allele CA1290384.

ClinVar aggregate classification (germline): Uncertain significance (1 of 4 stars; one submission).

Conditions:
IVNS1ABP-related disorder. Also called: IVNS1ABP-related condition.

Allele frequency attached by ClinVar (database versions not stated): gnomAD exomes 0.00001; ExAC 0.00002; gnomAD 0.00002; TOPMed 0.00002.
gnomAD v4.1: 16 of 1,613,308 alleles (0.00099%); highest among the groups gnomAD compares: Admixed American, 0.017%; no homozygotes.

Submission:

PreventionGenetics, part of Exact Sciences
Classification: Uncertain significance for IVNS1ABP-related condition. Last evaluated: 2023-07-12. Review status: criteria provided, single submitter. Criteria: ACMG Guidelines, 2015. Collection method: clinical testing. Allele origin: germline.
Comment: The IVNS1ABP c.1399A>G variant is predicted to result in the amino acid substitution p.Ile467Val. To our knowledge, this variant has not been reported in the literature. This variant is reported in 0.023% of alleles in individuals of Latino descent in gnomAD. At this time, the clinical significance of this variant is uncertain due to the absence of conclusive functional and genetic evidence.